The following is an entry in ClinVar:

NM_001098816.3(TENM4):c.6226A>G (p.Met2076Val)

Gene: TENM4 (teneurin transmembrane protein 4; minus strand). Cytogenetic location: 11q14.1.
Variant type: single nucleotide variant.
Coding change: c.6226A>G on transcript NM_001098816.3 (MANE Select); coding-DNA position 6226, A replaced by G.
Protein change: p.Met2076Val; replaces methionine 2076 with valine.
Molecular consequence: missense variant.
Genome position (GRCh38, 1-based): chr11:78,670,119, T>C on the plus strand (A>G on the coding strand, the complement: TENM4 is on the minus strand). VCF-style: chr11-78670119-T-C. GRCh37 (hg19) VCF-style: chr11-78381164-T-C.
Other names: short protein forms M2076V.
Identifiers: ClinVar variation 1050119 (VCV001050119.1), dbSNP rs776563835, ClinGen allele CA6206447.

ClinVar aggregate classification (germline): Uncertain significance (0 of 4 stars; one submission).

Allele frequency attached by ClinVar (database versions not stated): gnomAD exomes below 0.00001 and 0.00001; ExAC 0.00001.
gnomAD v4.1: 5 of 1,613,994 alleles (0.00031%); highest among the groups gnomAD compares: South Asian, 0.0055%; no homozygotes.

Submission:

Department of Pathology and Laboratory Medicine, Sinai Health System
Classification: Uncertain significance. Review status: no assertion criteria provided. Collection method: clinical testing. Allele origin: unknown. Affected: yes. Study: The Canadian Open Genetics Repository (COGR).
Comment: The TENM4 p.Met2076Val variant was not identified in the literature nor was it identified in the ClinVar, Cosmic, MutDB or LOVD 3.0 databases. The variant was identified in dbSNP (ID: rs776563835) and in control databases in 2 of 246204 chromosomes at a frequency of 0.000008 (Genome Aggregation Database Feb 27, 2017). The variant was observed in the following population: South Asian in 2 of 30766 chromosomes (freq: 0.000065); it was not observed in the African, Ashkenazi Jewish, East Asian, European (Finnish), European (Non-Finnish), Latino and other populations. The p.(Met2076Val) residue is conserved in mammals but not in more distantly related organisms and four out of five computational analyses (PolyPhen-2, SIFT, AlignGVGD, BLOSUM) do not suggest a high likelihood of impact to the protein; however, this information is not predictive enough to rule out pathogenicity. In summary, based on the above information the clinical significance of this variant cannot be determined with certainty at this time. This variant is classified as a variant of uncertain significance.